The following is an entry in ClinVar:

ClinVar aggregate classification (germline): Uncertain significance (1 of 4 stars; one submission).

Submission:

Labcorp Genetics (formerly Invitae), Labcorp
Classification: Uncertain significance. Last evaluated: 2026-01-04. Review status: criteria provided, single submitter. Criteria: Invitae Variant Classification Sherloc (09022015). Collection method: clinical testing. Allele origin: germline.
Comment: This sequence change replaces glycine, which is neutral and non-polar, with aspartic acid, which is acidic and polar, at codon 1088 of the COL4A4 protein (p.Gly1088Asp). This variant is not present in population databases (gnomAD no frequency). This variant has not been reported in the literature in individuals affected with COL4A4-related conditions. ClinVar contains an entry for this variant (Variation ID: 1471785). Invitae Evidence Modeling of protein sequence and biophysical properties (such as structural, functional, and spatial information, amino acid conservation, physicochemical variation, residue mobility, and thermodynamic stability) indicates that this missense variant is expected to disrupt COL4A4 protein function with a positive predictive value of 95%. In summary, the available evidence is currently insufficient to determine the role of this variant in disease. Therefore, it has been classified as a Variant of Uncertain Significance.

NM_000092.5(COL4A4):c.3263G>A (p.Gly1088Asp)

Gene: COL4A4 (collagen type IV alpha 4 chain; minus strand). Cytogenetic location: 2q36.3.
Variant type: single nucleotide variant.
Coding change: c.3263G>A on transcript NM_000092.5 (MANE Select); coding-DNA position 3263, G replaced by A.
Protein change: p.Gly1088Asp; replaces glycine 1088 with aspartic acid.
Molecular consequence: missense variant.
Genome position (GRCh38, 1-based): chr2:227,047,501, C>T on the plus strand (G>A on the coding strand, the complement: COL4A4 is on the minus strand). VCF-style: chr2-227047501-C-T. GRCh37 (hg19) VCF-style: chr2-227912217-C-T.
Other names: short protein forms G1088D.
Identifiers: ClinVar variation 1471785 (VCV001471785.6), dbSNP rs2150149041, ClinGen allele CA350838670.